The following is an entry in ClinVar:

NM_138694.4(PKHD1):c.2821+1G>A

Gene: PKHD1 (PKHD1 ciliary IPT domain containing fibrocystin/polyductin; minus strand). Cytogenetic location: 6p12.2.
Variant type: single nucleotide variant.
Coding change: c.2821+1G>A on transcript NM_138694.4 (MANE Select); the canonical splice donor site of the intron after coding-DNA position 2821, G replaced by A.
Molecular consequence: splice donor variant.
Genome position (GRCh38, 1-based): chr6:52,043,624, C>T on the plus strand (G>A on the coding strand, the complement: PKHD1 is on the minus strand). VCF-style: chr6-52043624-C-T. GRCh37 (hg19) VCF-style: chr6-51908422-C-T.
Other names: c.2821+1G>A (NM_170724.3, NM_138694.3).
Identifiers: ClinVar variation 3622062 (VCV003622062.3).

ClinVar aggregate classification (germline): Likely pathogenic. Review status: criteria provided, multiple submitters, no conflicts (2 of 4 stars). 2 submissions from 2 submitters: Likely pathogenic (2). Last evaluated 2024-04-17.

Conditions:
Autosomal recessive polycystic kidney disease (ARPKD). Also called: AR polycystic kidney disease. Identifiers: Orphanet 731, Orphanet 8378, MedGen C0085548, MeSH D017044, MONDO:0009889.

Submissions (2):

Natera, Inc.
Classification: Likely pathogenic for Autosomal recessive polycystic kidney disease. Last evaluated: 2024-04-17. Review status: criteria provided, single submitter. Criteria: Natera Variant Classification Schema (03/2026). Collection method: clinical testing. Allele origin: germline.
Comment: The c.2821+1G>A variant in PKHD1 is a canonical splice donor site variant predicted to affect pre-mRNA splicing, which may result in an abnormal transcript and altered protein product. This variant is expected to result in nonsense mediated decay, truncation, or a dysfunctional protein product. This variant is rare in the general population with a frequency below the threshold expected for the associated phenotype(s). Given the available evidence, this variant is classified as Likely Pathogenic.

Labcorp Genetics (formerly Invitae), Labcorp
Classification: Likely pathogenic for Autosomal recessive polycystic kidney disease. Last evaluated: 2024-02-01. Review status: criteria provided, single submitter. Criteria: Invitae Variant Classification Sherloc (09022015). Collection method: clinical testing. Allele origin: germline.
Comment: This sequence change affects a donor splice site in intron 26 of the PKHD1 gene. It is expected to disrupt RNA splicing. Variants that disrupt the donor or acceptor splice site typically lead to a loss of protein function (PMID: 16199547), and loss-of-function variants in PKHD1 are known to be pathogenic (PMID: 19940839). This variant is not present in population databases (gnomAD no frequency). This variant has not been reported in the literature in individuals affected with PKHD1-related conditions. In summary, the currently available evidence indicates that the variant is pathogenic, but additional data are needed to prove that conclusively. Therefore, this variant has been classified as Likely Pathogenic.

Literature cited by the submitters: PubMed 16199547 (cited by Labcorp Genetics (formerly Invitae), Labcorp); PubMed 19940839 (cited by Labcorp Genetics (formerly Invitae), Labcorp).